The following is an entry in ClinVar:

ClinVar aggregate classification (germline): Pathogenic (1 of 4 stars; one submission).

Conditions:
Neurometabolic disorder due to serine deficiency. Identifiers: Orphanet 35705, MedGen C5680148, MONDO:0018162.

Submission:

Myriad Genetics, Inc.
Classification: Pathogenic for Neurometabolic disorder due to serine deficiency. Last evaluated: 2024-05-14. Review status: criteria provided, single submitter. Criteria: Myriad Autosomal Dominant, Autosomal Recessive and X-Linked Classification Criteria (2023). Collection method: clinical testing. Allele origin: unknown.
Comment: NM_006623.3(PHGDH):c.160_161ins8(R54Lfs*9) is expected to be pathogenic in the context of serine deficiency disorder, PHGDH-related. This variant is predicted to lead to an abnormal or absent protein product due to the creation of a premature termination codon in PHGDH, a gene where loss-of-function variants are known to be pathogenic. Please note: this variant was assessed in the context of healthy population screening.

NM_006623.4(PHGDH):c.160_161insTGCTGAGT (p.Arg54fs)

Gene: PHGDH (phosphoglycerate dehydrogenase; plus strand). Cytogenetic location: 1p12.
Variant type: Insertion.
Coding change: c.160_161insTGCTGAGT on transcript NM_006623.4 (MANE Select); coding-DNA positions 160 to 161, TGCTGAGT inserted.
Protein change: p.Arg54fs; shifts the reading frame from arginine 54.
Molecular consequence: frameshift variant.
Genome position: GRCh38 VCF-style: chr1-119721191-C-CTGCTGAGT. GRCh37 (hg19) VCF-style: chr1-120263814-C-CTGCTGAGT.
Other names: short protein forms R54fs.
Identifiers: ClinVar variation 5010392 (VCV005010392.1).
Genomic context (GRCh38, chr1:119,721,191, plus strand): 5'-AGAATGACTTTCTGGACCCAAATGTTTTTTCTGCTTCAGGACTGTGAAGGCCTTATTGTT[C>CTGCTGAGT]GCTCTGCCACCAAGGTGACCGCTGATGTCATCAACGCAGCTGAGAAACTCCAGGTGGTGG-3'